The following is an entry in ClinVar:

ClinVar aggregate classification (germline): Uncertain significance. Review status: criteria provided, multiple submitters, no conflicts (2 of 4 stars). 2 submissions from 2 submitters: Uncertain significance (2). Last evaluated 2025-10-09.

Conditions:
Candidiasis, familial, 6 (CANDF6). Also called: Candidiasis, familial, 6, autosomal dominant. Identifiers: Orphanet 1334, MedGen C3151405, MONDO:0013503, OMIM 613956.

Allele frequency attached by ClinVar (database versions not stated): gnomAD 0.00001; TOPMed 0.00001; gnomAD exomes 0.00003; ExAC 0.00006; 1000 Genomes Project 30x 0.00016; 1000 Genomes Project 0.00020.
gnomAD v4.1: 48 of 1,614,034 alleles (0.003%); highest among the groups gnomAD compares: South Asian, 0.049%; 1 homozygote.

Submissions (2):

Labcorp Genetics (formerly Invitae), Labcorp
Classification: Uncertain significance for Candidiasis, familial, 6. Last evaluated: 2025-10-09. Review status: criteria provided, single submitter. Criteria: Invitae Variant Classification Sherloc (09022015). Collection method: clinical testing. Allele origin: germline.
Comment: This sequence change replaces glutamic acid, which is acidic and polar, with glycine, which is neutral and non-polar, at codon 45 of the IL17F protein (p.Glu45Gly). This variant is present in population databases (rs535783581, gnomAD 0.06%). This variant has not been reported in the literature in individuals affected with IL17F-related conditions. ClinVar contains an entry for this variant (Variation ID: 2202046). An algorithm developed to predict the effect of missense changes on protein structure and function outputs the following: PolyPhen-2: "Benign". The glycine amino acid residue is found in multiple mammalian species, which suggests that this missense change does not adversely affect protein function. In summary, the available evidence is currently insufficient to determine the role of this variant in disease. Therefore, it has been classified as a Variant of Uncertain Significance.

Ambry Genetics
Classification: Uncertain significance. Last evaluated: 2022-05-06. Review status: criteria provided, single submitter. Criteria: Ambry Variant Classification Scheme 2023. Collection method: clinical testing. Allele origin: germline.

NM_052872.4(IL17F):c.134A>G (p.Glu45Gly)

Gene: IL17F (interleukin 17F; minus strand). Cytogenetic location: 6p12.2.
Variant type: single nucleotide variant.
Coding change: c.134A>G on transcript NM_052872.4 (MANE Select); coding-DNA position 134, A replaced by G.
Protein change: p.Glu45Gly; replaces glutamic acid 45 with glycine.
Molecular consequence: missense variant.
Genome position (GRCh38, 1-based): chr6:52,238,850, T>C on the plus strand (A>G on the coding strand, the complement: IL17F is on the minus strand). VCF-style: chr6-52238850-T-C. GRCh37 (hg19) VCF-style: chr6-52103648-T-C.
Other names: short protein forms E45G.
Identifiers: ClinVar variation 2202046 (VCV002202046.5), dbSNP rs535783581, ClinGen allele CA3854440.